The following is an entry in ClinVar:

ClinVar aggregate classification (germline): Uncertain significance (1 of 4 stars; one submission).

Conditions:
Cystic fibrosis (CF). Also called: MUCOVISCIDOSIS. Identifiers: Orphanet 586, MedGen C0010674, MONDO:0009061, OMIM 219700. Disease mechanism: loss of function.

Submission:

Labcorp Genetics (formerly Invitae), Labcorp
Classification: Uncertain significance for Cystic fibrosis. Last evaluated: 2026-01-04. Review status: criteria provided, single submitter. Criteria: Invitae Variant Classification Sherloc (09022015). Collection method: clinical testing. Allele origin: germline.
Comment: This sequence change replaces serine, which is neutral and polar, with phenylalanine, which is neutral and non-polar, at codon 605 of the CFTR protein (p.Ser605Phe). This variant is not present in population databases (gnomAD no frequency). This variant has not been reported in the literature in individuals affected with CFTR-related conditions. Invitae Evidence Modeling of protein sequence and biophysical properties (such as structural, functional, and spatial information, amino acid conservation, physicochemical variation, residue mobility, and thermodynamic stability) indicates that this missense variant is expected to disrupt CFTR protein function with a positive predictive value of 80%. In summary, the available evidence is currently insufficient to determine the role of this variant in disease. Therefore, it has been classified as a Variant of Uncertain Significance.

NM_000492.4(CFTR):c.1814C>T (p.Ser605Phe)

Gene: CFTR (CF transmembrane conductance regulator; plus strand). Cytogenetic location: 7q31.2.
Variant type: single nucleotide variant.
Coding change: c.1814C>T on transcript NM_000492.4 (MANE Select); coding-DNA position 1814, C replaced by T.
Protein change: p.Ser605Phe; replaces serine 605 with phenylalanine.
Molecular consequence: missense variant.
Genome position (GRCh38, 1-based): chr7:117,591,981, C>T. VCF-style: chr7-117591981-C-T. GRCh37 (hg19) VCF-style: chr7-117232035-C-T.
Other names: short protein forms S605F.
Identifiers: ClinVar variation 4697851 (VCV004697851.1).